The following is an entry in ClinVar:

ClinVar aggregate classification (germline): Likely pathogenic (1 of 4 stars; one submission).

Conditions:
Beckwith-Wiedemann syndrome (BWS). Also called: EMG SYNDROME; Exomphalos macroglossia gigantism syndrome. Identifiers: Orphanet 116, MedGen C0004903, MONDO:0007534, OMIM 130650.

Submission:

Victorian Clinical Genetics Services, Murdoch Childrens Research Institute
Classification: Likely pathogenic for Beckwith-Wiedemann syndrome. Last evaluated: 2026-03-29. Review status: criteria provided, single submitter. Criteria: ACMG Guidelines, 2015. Collection method: clinical testing. Allele origin: germline. Affected: yes.
Comment: This variant is classified as Likely pathogenic. Evidence in support of pathogenic classification: Variant is predicted to result in a loss of the canonical translation initiation codon (ATG); Variant is absent from gnomAD (v2, v3 and v4); This variant has limited previous evidence of pathogenicity in unrelated individuals. This variant has been reported as c.36G>A; p.(Met12Ile) in the literature in an individual with Beckwith–Wiedemann syndrome (BWS; PMID: 38822599). An alternative nucleotide change c.1A>C also expected to result in initiation codon loss, has been reported in an individual with BWS (PMID: 26077438). A different alternative nucleotide change c.2T>G also expected to result in initiation codon loss, has been classified as a VUS by one clinical laboratory in ClinVar; Additional information: This variant is heterozygous; This gene is associated with autosomal dominant disease; Loss of function and gain of function are known mechanisms of disease in this gene. Pathogenic missense variants in the PCNA-binding site of CDKN1C exhibit a gain of function effect and are associated with IMAGE syndrome (MIM#614732) (PMID: 25262539). Loss of function variants are associated with Beckwith-Wiedemann syndrome (MIM#130650); This gene is known to be imprinted. CDKN1C is expressed from the maternal allele (PMID: 25262539).

Literature cited by the submitters: PubMed 25262539; PubMed 26077438; PubMed 38822599.

NM_001122630.2(CDKN1C):c.3G>A (p.Met1Ile)

Gene: CDKN1C (cyclin dependent kinase inhibitor 1C; minus strand). Cytogenetic location: 11p15.4.
Variant type: single nucleotide variant.
Coding change: c.3G>A on transcript NM_001122630.2 (MANE Select); coding-DNA position 3, G replaced by A.
Protein change: p.Met1Ile; changes the start codon (methionine 1).
Molecular consequence: missense variant, initiator codon variant.
Genome position (GRCh38, 1-based): chr11:2,885,454, C>T on the plus strand (G>A on the coding strand, the complement: CDKN1C is on the minus strand). VCF-style: chr11-2885454-C-T. GRCh37 (hg19) VCF-style: chr11-2906684-C-T.
Other names: c.36G>A, p.Met12Ile (NM_000076.2, NM_001362474.2); c.3G>A, p.Met1Ile (NM_001122631.2, NM_001362475.2); short protein forms M12I, M1I.
Identifiers: ClinVar variation 4879692 (VCV004879692.1).